The following is an entry in ClinVar:

ClinVar aggregate classification (germline): Uncertain significance (1 of 4 stars; one submission).

Conditions:
Inborn genetic diseases. Identifiers: MedGen C0950123, MeSH D030342.

gnomAD v4.1: 1 of 1,614,196 alleles (0.000062%); highest among the groups gnomAD compares: South Asian, 0.0011%; no homozygotes.

Submission:

Ambry Genetics
Classification: Uncertain significance for Inborn genetic diseases. Last evaluated: 2025-06-28. Review status: criteria provided, single submitter. Criteria: Ambry Variant Classification Scheme 2023. Collection method: clinical testing. Allele origin: germline.
Comment: The p.Q525H variant (also known as c.1575A>T), located in coding exon 8 of the MECOM gene, results from an A to T substitution at nucleotide position 1575. The glutamine at codon 525 is replaced by histidine, an amino acid with highly similar properties. This amino acid position is conserved. In addition, this alteration is predicted to be tolerated by in silico analysis. Based on the available evidence, the clinical significance of this variant remains unclear.

NM_004991.4(MECOM):c.1575A>T (p.Gln525His)

Gene: MECOM (MDS1 and EVI1 complex locus; minus strand). Cytogenetic location: 3q26.2.
Variant type: single nucleotide variant.
Coding change: c.1575A>T on transcript NM_004991.4 (MANE Select); coding-DNA position 1575, A replaced by T.
Protein change: p.Gln525His; replaces glutamine 525 with histidine.
Molecular consequence: missense variant. On other transcripts: intron variant (2).
Genome position (GRCh38, 1-based): chr3:169,116,297, T>A on the plus strand (A>T on the coding strand, the complement: MECOM is on the minus strand). VCF-style: chr3-169116297-T-A. GRCh37 (hg19) VCF-style: chr3-168834085-T-A.
Other names: c.1011A>T, p.Gln337His (NM_001366472.2, NM_005241.4, NM_001105078.4 and 4 more transcripts); c.1133-530A>T (NM_001366473.2); c.569-530A>T (NM_001366474.2); c.1206A>T, p.Gln402His (NM_001105077.4); c.1014A>T, p.Gln338His (NM_001163999.2, NM_001366467.2, NM_001366468.2 and 1 more transcripts); c.1575A>T, p.Gln525His (NM_001366466.2); short protein forms Q402H, Q337H, Q338H, Q525H.
Identifiers: ClinVar variation 4105737 (VCV004105737.1).
Genomic context (GRCh38, chr3:169,116,297, plus strand): 5'-TAGTGCCTTCAAAATATCCTGTGTAGCTGGCAGTATCTGAGGATGTGTCATGAGGGGACT[T>A]TGACTTTTGTTTGTCTGTTCAGTACTTGATAGTCCTTTAACAGGAGAACTAGCAGGTATC-3'
Protein context (NP_004982.2, residues 515-535): LSSTEQTNKS[Gln525His]SPLMTHPQIL